The following is an entry in ClinVar:

ClinVar aggregate classification (germline): Uncertain significance. Review status: criteria provided, multiple submitters, no conflicts (2 of 4 stars). 2 submissions from 2 submitters: Uncertain significance (2). Last evaluated 2022-08-23.

Conditions:
Hereditary spastic paraplegia. Also called: Familial spastic paraparesis. Identifiers: Orphanet 685, MedGen C0037773, MONDO:0019064. Disease mechanism: loss of function.

Allele frequency attached by ClinVar (database versions not stated): TOPMed below 0.00001; gnomAD 0.00001; gnomAD exomes 0.00002; ExAC 0.00003; 1000 Genomes Project 30x 0.00016; 1000 Genomes Project 0.00020.
gnomAD v4.1: 6 of 1,614,128 alleles (0.00037%); highest among the groups gnomAD compares: South Asian, 0.0033%; no homozygotes.

Submissions (2):

GeneDx
Classification: Uncertain significance. Last evaluated: 2022-08-23. Review status: criteria provided, single submitter. Criteria: GeneDx Variant Classification Process June 2021. Collection method: clinical testing. Allele origin: germline. Affected: yes.
Comment: Not observed at significant frequency in large population cohorts (gnomAD); In silico analysis supports that this missense variant does not alter protein structure/function; Has not been previously published as pathogenic or benign to our knowledge

Genome Diagnostics Laboratory, The Hospital for Sick Children
Classification: Uncertain significance for Hereditary spastic paraplegia. Last evaluated: 2016-12-12. Review status: criteria provided, single submitter. Criteria: ACMG Guidelines, 2015. Collection method: clinical testing. Allele origin: germline. Affected: yes.

NM_007347.5(AP4E1):c.3374A>G (p.Tyr1125Cys)

Gene: AP4E1 (adaptor related protein complex 4 subunit epsilon 1; plus strand). Cytogenetic location: 15q21.2.
Variant type: single nucleotide variant.
Coding change: c.3374A>G on transcript NM_007347.5 (MANE Select); coding-DNA position 3374, A replaced by G.
Protein change: p.Tyr1125Cys; replaces tyrosine 1125 with cysteine.
Molecular consequence: missense variant.
Genome position (GRCh38, 1-based): chr15:51,002,622, A>G. VCF-style: chr15-51002622-A-G. GRCh37 (hg19) VCF-style: chr15-51294819-A-G.
Other names: c.3149A>G, p.Tyr1050Cys (NM_001252127.2); short protein forms Y1050C, Y1125C.
Identifiers: ClinVar variation 1344029 (VCV001344029.4), dbSNP rs539408428, ClinGen allele CA7559498.